The following is an entry in ClinVar:

ClinVar aggregate classification (germline): Pathogenic. Review status: criteria provided, multiple submitters, no conflicts (2 of 4 stars). 7 submissions from 7 submitters: Pathogenic (5). 2 of the submissions do not count toward it. Last evaluated 2023-12-15.

Conditions:
Hereditary cancer-predisposing syndrome. Also called: Hereditary neoplastic syndrome; Tumor predisposition; Neoplastic Syndromes, Hereditary; Hereditary Cancer Syndrome. Identifiers: Orphanet 140162, MedGen C0027672, MeSH D009386, MONDO:0015356.
Carcinoma of colon (CRC). Also called: Colon carcinoma; Colonic carcinoma. Identifiers: MedGen C0699790, MONDO:0002032.
Familial adenomatous polyposis 1 (FAP1). Also called: POLYPOSIS, ADENOMATOUS INTESTINAL; FAMILIAL ADENOMATOUS POLYPOSIS 1, ATTENUATED. Identifiers: MedGen C2713442, MONDO:0021056, OMIM 175100. Disease mechanism: loss of function.

Submissions (7):

Labcorp Genetics (formerly Invitae), Labcorp
Classification: Pathogenic for Familial adenomatous polyposis 1. Last evaluated: 2023-12-15. Review status: criteria provided, single submitter. Criteria: Invitae Variant Classification Sherloc (09022015). Collection method: clinical testing. Allele origin: germline.
Comment: This sequence change creates a premature translational stop signal (p.Tyr622*) in the APC gene. It is expected to result in an absent or disrupted protein product. Loss-of-function variants in APC are known to be pathogenic (PMID: 17963004, 20685668). This variant is not present in population databases (gnomAD no frequency). This premature translational stop signal has been observed in individual(s) with familial adenomatous polyposis (PMID: 1316610, 8187091, 8381580, 8990002, 20685668). ClinVar contains an entry for this variant (Variation ID: 233973). Algorithms developed to predict the effect of sequence changes on RNA splicing suggest that this variant may disrupt the consensus splice site. For these reasons, this variant has been classified as Pathogenic.

GeneDx
Classification: Pathogenic. Last evaluated: 2023-07-25. Review status: criteria provided, single submitter. Criteria: GeneDx Variant Classification Process June 2021. Collection method: clinical testing. Allele origin: germline. Affected: yes.
Comment: Nonsense variant predicted to result in protein truncation or nonsense mediated decay in a gene for which loss of function is a known mechanism of disease; Not observed at significant frequency in large population cohorts (gnomAD); This variant is associated with the following publications: (PMID: 25525159, 1316610, 28576136, 17963004, 8381580, 20685668, 8187091, 8990002)

Myriad Genetics, Inc.
Classification: Pathogenic for Familial adenomatous polyposis 1. Last evaluated: 2023-05-03. Review status: criteria provided, single submitter. Criteria: Myriad Autosomal Dominant, Autosomal Recessive and X-Linked Classification Criteria (2023). Collection method: clinical testing. Allele origin: unknown.
Comment: This variant is considered pathogenic. This variant creates a termination codon and is predicted to result in premature protein truncation.

Ambry Genetics
Classification: Pathogenic for Hereditary cancer-predisposing syndrome. Last evaluated: 2022-03-29. Review status: criteria provided, single submitter. Criteria: Ambry Variant Classification Scheme 2023. Collection method: clinical testing. Allele origin: germline.
Comment: The p.Y622* pathogenic mutation (also known as c.1866C>A), located in coding exon 14 of the APC gene, results from a C to A substitution at nucleotide position 1866. This changes the amino acid from a tyrosine to a stop codon within coding exon 14. This alteration has been reported in multiple unrelated families diagnosed with familial adenomatous polyposis (FAP) (Miyoshi Y et al. Proc. Natl. Acad. Sci. U.S.A. 1992 May;89:4452-6; Miyaki M et al. Cancer Res. 1994 Jun;54:3011-20; van der Luijt RB et al. Hum. Mutat. 1997;9:7-16). In one study, this alteration was observed to segregate with disease in a familial FAP kindred (Olschwang S et al. Am. J. Hum. Genet. 1993 Feb;52:273-9). This variant is considered to be rare based on population cohorts in the Genome Aggregation Database (gnomAD). In addition to the clinical data presented in the literature, this alteration is expected to result in loss of function by premature protein truncation or nonsense-mediated mRNA decay. As such, this alteration is interpreted as a disease-causing mutation.

ARUP Laboratories, Molecular Genetics and Genomics, ARUP Laboratories
Classification: Pathogenic. Last evaluated: 2018-02-15. Review status: criteria provided, single submitter. Criteria: ARUP Molecular Germline Variant Investigation Process. Collection method: clinical testing. Allele origin: germline.
Comment: The APC c.1866C>A; p.Tyr622Ter variant (rs876658355) has been observed in individuals and families affected with familial adenomatous polyposis (FAP) ( Miyaki 1994, Miyoshi 1992, Olschwang 1993, van der Luijt 1997). This variant is reported as pathogenic in ClinVar (Variation ID: 233973) and is absent from the general population databases (1000 Genomes Project, Exome Variant Server, Genome Aggregation Database), indicating it is not a common polymorphism. Additionally, another variant at this codon (c.1866C>G; p.Tyr622Ter) has been reported in individuals with FAP and is considered pathogenic (Friedl 2005). This variant induces an early termination codon and is predicted to result in a truncated protein or mRNA subject to nonsense-mediated decay. Based on the above information, this variant is considered pathogenic. References: Friedl W et al. Familial Adenomatous Polyposis: Experience from a Study of 1164 Unrelated German Polyposis Patients. Hered Cancer Clin Pract. 2005; 3(3): 95â€“114. Miyaki M et al. Characteristics of somatic mutation of the adenomatous polyposis coli gene in colorectal tumors. Cancer Res. 1994 Jun 1;54(11):3011-20. Miyoshi Y et al. Germ-line mutations of the APC gene in 53 familial adenomatous polyposis patients. Proc Natl Acad Sci U S A. 1992 May 15;89(10):4452-6. Olschwang S et al. Germ-line mutations in the first 14 exons of the adenomatous polyposis coli (APC) gene. Am J Hum Genet. 1993 Feb;52(2):273-9. van der Luijt R et al. Molecular analysis of the APC gene in 105 Dutch kindreds with familial adenomatous polyposis: 67 germline mutations identified by DGGE, PTT, and southern analysis. Hum Mutat. 1997;9(1):7-16.

Department of Pathology and Laboratory Medicine, Sinai Health System
Classification: Pathogenic for Carcinoma of colon. Review status: no assertion criteria provided. Collection method: clinical testing. Allele origin: unknown. Affected: yes. Study: The Canadian Open Genetics Repository (COGR). Not counted in ClinVar's aggregate classification.
Comment: The APC p.Tyr622X variant was identified in 5 of 906 proband chromosomes (frequency: 0.006) from individuals or families with Familial adenomatous polyposis (FAP) (Miyoshi_1992_1316610, van der Luijt_1997_8990002, Olschwang_1993_8381580, Enomoto_2000_10768871, Miyaki_1994_8187091). The variant was also identified in HGMD,â€šÃ„ÃºInSiGHT Colon Cancer Database, and UMD (11X as an unvalidated variant). The p.Tyr622X variant leads to a premature stop codon at position 622, which is predicted to lead to a truncated or absent protein and loss of function. Loss of function variants of the APC gene are an established mechanism of disease in familial adenomatous polyposis and is the type of variant expected to cause the disorder. In summary, based on the above information, this variant meets our laboratoryâ€šÃ„Ã´s criteria to be classified as pathogenic.

Mayo Clinic Laboratories, Mayo Clinic
Classification: Likely pathogenic. Review status: no assertion criteria provided. Collection method: clinical testing. Allele origin: unknown. Not counted in ClinVar's aggregate classification.

Literature cited by the submitters: PubMed 17963004 (cited by Labcorp Genetics (formerly Invitae), Labcorp); PubMed 20685668 (cited by Labcorp Genetics (formerly Invitae), Labcorp); PubMed 1316610 (cited by Labcorp Genetics (formerly Invitae), Labcorp and Ambry Genetics); PubMed 8187091 (cited by Labcorp Genetics (formerly Invitae), Labcorp and Ambry Genetics); PubMed 8381580 (cited by Labcorp Genetics (formerly Invitae), Labcorp and Ambry Genetics); PubMed 8990002 (cited by Labcorp Genetics (formerly Invitae), Labcorp and Ambry Genetics).

NM_000038.6(APC):c.1866C>A (p.Tyr622Ter)

Gene: APC (APC regulator of Wnt signaling pathway; plus strand). Cytogenetic location: 5q22.2.
Variant type: single nucleotide variant.
Coding change: c.1866C>A on transcript NM_000038.6 (MANE Select); coding-DNA position 1866, C replaced by A.
Protein change: p.Tyr622Ter; replaces tyrosine 622 with a stop codon.
Molecular consequence: nonsense.
Genome position (GRCh38, 1-based): chr5:112,835,073, C>A. VCF-style: chr5-112835073-C-A. GRCh37 (hg19) VCF-style: chr5-112170770-C-A.
Other names: c.1866C>A, p.Tyr622Ter (NM_001127510.3, NM_001354895.2); c.1812C>A, p.Tyr604Ter (NM_001127511.3); c.1920C>A, p.Tyr640Ter (NM_001354896.2); c.1896C>A, p.Tyr632Ter (NM_001354897.2); c.1791C>A, p.Tyr597Ter (NM_001354898.2); c.1782C>A, p.Tyr594Ter (NM_001354899.2); c.1743C>A, p.Tyr581Ter (NM_001354900.2); c.1689C>A, p.Tyr563Ter (NM_001354901.2); and 5 more; short protein forms Y604*, Y622*, Y496*, Y640*, Y521*, Y462*, Y563*, Y597*.
Identifiers: ClinVar variation 233973 (VCV000233973.26), dbSNP rs876658355, ClinGen allele CA10578327.
Genomic context (GRCh38, chr5:112,835,073, plus strand): 5'-TAAAGCTGATATATGTGCTGTAGATGGTGCACTTGCATTTTTGGTTGGCACTCTTACTTA[C>A]CGGAGCCAGACAAACACTTTAGCCATTATTGAAAGTGGAGGTGGGATATTACGGAATGTG-3'